The following is an entry in ClinVar:

ClinVar aggregate classification (germline): Benign/Likely benign. Review status: criteria provided, multiple submitters, no conflicts (2 of 4 stars). 2 submissions from 2 submitters: Benign (1); Likely benign (1). Last evaluated 2025-10-02.

Allele frequency attached by ClinVar (database versions not stated): gnomAD 0.00003 and 0.00005; TOPMed 0.00003; 1000 Genomes Project 30x 0.00016; gnomAD exomes 0.00018 and 0.00034; 1000 Genomes Project 0.00020; ExAC 0.00028.
gnomAD v4.1: 267 of 1,613,842 alleles (0.017%); highest among the groups gnomAD compares: South Asian, 0.19%; 6 homozygotes.

Submissions (2):

Labcorp Genetics (formerly Invitae), Labcorp
Classification: Benign. Last evaluated: 2025-10-02. Review status: criteria provided, single submitter. Criteria: Invitae Variant Classification Sherloc (09022015). Collection method: clinical testing. Allele origin: germline.

CeGaT Center for Human Genetics Tuebingen
Classification: Likely benign. Last evaluated: 2023-10-01. Review status: criteria provided, single submitter. Criteria: CeGaT Center For Human Genetics Tuebingen Variant Classification Criteria Version 2. Collection method: clinical testing. Allele origin: germline. Affected: yes. Observed: 1 variant allele.
Comment: PLOD3: BP4, BS2

NM_001084.5(PLOD3):c.812A>G (p.Asn271Ser)

Gene: PLOD3 (procollagen-lysine,2-oxoglutarate 5-dioxygenase 3; minus strand). Cytogenetic location: 7q22.1.
Variant type: single nucleotide variant.
Coding change: c.812A>G on transcript NM_001084.5 (MANE Select); coding-DNA position 812, A replaced by G.
Protein change: p.Asn271Ser; replaces asparagine 271 with serine.
Molecular consequence: missense variant.
Genome position (GRCh38, 1-based): chr7:101,212,909, T>C on the plus strand (A>G on the coding strand, the complement: PLOD3 is on the minus strand). VCF-style: chr7-101212909-T-C. GRCh37 (hg19) VCF-style: chr7-100856190-T-C.
Other names: short protein forms N271S.
Identifiers: ClinVar variation 1599070 (VCV001599070.32), dbSNP rs535949022, ClinGen allele CA4407998.
Genomic context (GRCh38, chr7:101,212,909, plus strand): 5'-CCCGGGAGTGTCCTCCGGTCCTGGTTGCAGAAGCCACAGCCTCCCTCAGGAGTCCAGCCA[T>C]TGGGGACGTAGTTTCCCAGGTAGTTGAGCTGCAGCTGTTGGGGACAGACTGAGGCTGAGT-3'
Protein context (NP_001075.1, residues 261-281): QLNYLGNYVP[Asn271Ser]GWTPEGGCGF